The following is an entry in ClinVar:

ClinVar aggregate classification (germline): Uncertain significance. Review status: criteria provided, single submitter (1 of 4 stars). 2 submissions from 2 submitters: Uncertain significance (1). 1 of the submissions does not count toward it. Last evaluated 2017-09-01.

Conditions:
Cranioectodermal dysplasia 2 (CED2). Identifiers: Orphanet 1515, MedGen C3150874, MONDO:0013323, OMIM 613610.

Allele frequency attached by ClinVar (database versions not stated): gnomAD exomes below 0.00001.
gnomAD v4.1: 2 of 1,614,106 alleles (0.00012%); highest among the groups gnomAD compares: Non-Finnish European, 0.00017%; no homozygotes.

Submissions (2):

Baylor Genetics
Classification: Uncertain significance for Cranioectodermal dysplasia 2. Last evaluated: 2017-09-01. Review status: criteria provided, single submitter. Criteria: ACMG Guidelines, 2015. Collection method: clinical testing. Allele origin: paternal. Inheritance: Autosomal recessive inheritance. Affected: yes.

OMIM
Classification: Pathogenic for CRANIOECTODERMAL DYSPLASIA 2. Last evaluated: 2018-02-06. Review status: no assertion criteria provided. Collection method: literature only. Allele origin: germline. Not counted in ClinVar's aggregate classification.

Literature cited by the submitters: PubMed 25326635 (cited by Baylor Genetics); PubMed 24123776 (cited by OMIM).

NM_020779.4(WDR35):c.3058C>T (p.His1020Tyr)

Gene: WDR35 (WD repeat domain 35; minus strand). Cytogenetic location: 2p24.1.
Variant type: single nucleotide variant.
Coding change: c.3058C>T on transcript NM_020779.4 (MANE Select); coding-DNA position 3058, C replaced by T.
Protein change: p.His1020Tyr; replaces histidine 1020 with tyrosine.
Molecular consequence: missense variant.
Genome position (GRCh38, 1-based): chr2:19,930,459, G>A on the plus strand (C>T on the coding strand, the complement: WDR35 is on the minus strand). VCF-style: chr2-19930459-G-A. GRCh37 (hg19) VCF-style: chr2-20130220-G-A.
Other names: c.3091C>T, p.His1031Tyr (NM_001006657.2); short protein forms H1031Y, H1020Y.
Identifiers: ClinVar variation 488654 (VCV000488654.2), dbSNP rs1553316264, ClinGen allele CA345941580.